The following is an entry in ClinVar:

ClinVar aggregate classification (germline): Pathogenic (1 of 4 stars; one submission).

Conditions:
Ehlers-Danlos syndrome, classic type, 1 (EDSCL1). Also called: EHLERS-DANLOS SYNDROME, GRAVIS TYPE; EHLERS-DANLOS SYNDROME, SEVERE CLASSIC TYPE; Ehlers-Danlos syndrome, type 1; Ehlers-Danlos Syndrome, Classic Type, COL5A1-Related; EDS I. Identifiers: MedGen C0268335, MONDO:0019567, OMIM 130000.
Osteogenesis imperfecta type I (OI1). Also called: OI, TYPE I; OSTEOGENESIS IMPERFECTA TARDA; OSTEOGENESIS IMPERFECTA WITH BLUE SCLERAE; Osteogenesis imperfecta type 1; Lobstein's Disease; Lobstein disease. Identifiers: Orphanet 216796, Orphanet 666, MedGen C0023931, MONDO:0008146, OMIM 166200. Disease mechanism: loss of function.

Submission:

Labcorp Genetics (formerly Invitae), Labcorp
Classification: Pathogenic for Osteogenesis imperfecta type I; Ehlers-Danlos syndrome, classic type, 1. Last evaluated: 2025-03-17. Review status: criteria provided, single submitter. Criteria: Invitae Variant Classification Sherloc (09022015). Collection method: clinical testing. Allele origin: germline.
Comment: This sequence change replaces glycine, which is neutral and non-polar, with aspartic acid, which is acidic and polar, at codon 289 of the COL1A2 protein (p.Gly289Asp). This variant is not present in population databases (gnomAD no frequency). This variant has not been reported in the literature in individuals affected with COL1A2-related conditions. Invitae Evidence Modeling of protein sequence and biophysical properties (such as structural, functional, and spatial information, amino acid conservation, physicochemical variation, residue mobility, and thermodynamic stability) indicates that this missense variant is expected to disrupt COL1A2 protein function with a positive predictive value of 80%. This variant disrupts the triple helix domain of COL1A2. Glycine residues within the Gly-Xaa-Yaa repeats of the triple helix domain are required for the structure and stability of fibrillar collagens (PMID: 7695699, 8218237, 19344236). In COL1A2, variants affecting these glycine residues are significantly enriched in individuals with disease (PMID: 9016532, 17078022) compared to the general population (ExAC). This variant disrupts the p.Gly289 amino acid residue in COL1A2. Other variant(s) that disrupt this residue have been observed in individuals with COL1A2-related conditions (PMID: 17078022, 28810924; internal data), which suggests that this may be a clinically significant amino acid residue. For these reasons, this variant has been classified as Pathogenic.

Literature cited by the submitters: PubMed 7695699; PubMed 8218237; PubMed 19344236; PubMed 9016532; PubMed 17078022; PubMed 28810924.

NM_000089.4(COL1A2):c.866G>A (p.Gly289Asp)

Gene: COL1A2 (collagen type I alpha 2 chain; plus strand). Cytogenetic location: 7q21.3.
Variant type: single nucleotide variant.
Coding change: c.866G>A on transcript NM_000089.4 (MANE Select); coding-DNA position 866, G replaced by A.
Protein change: p.Gly289Asp; replaces glycine 289 with aspartic acid.
Molecular consequence: missense variant.
Genome position (GRCh38, 1-based): chr7:94,409,395, G>A. VCF-style: chr7-94409395-G-A. GRCh37 (hg19) VCF-style: chr7-94038707-G-A.
Other names: short protein forms G289D.
Identifiers: ClinVar variation 4782598 (VCV004782598.1).